The following is an entry in ClinVar:

NM_005629.4(SLC6A8):c.627del (p.Val210fs)

Gene: SLC6A8 (solute carrier family 6 member 8; plus strand). Cytogenetic location: Xq28.
Variant type: Deletion.
Coding change: c.627del on transcript NM_005629.4 (MANE Select); coding-DNA position 627, one base deleted (T; older notation c.627delT).
Protein change: p.Val210fs; shifts the reading frame from valine 210.
Molecular consequence: frameshift variant.
Genome position (GRCh38, 1-based): chrX:153,691,536, T deleted. VCF-style (leftmost placement, unchanged base first): chrX-153691535-CT-C. GRCh37 (hg19) VCF-style: chrX-152956990-CT-C.
Other names: c.627del, p.Val210fs (NM_001142805.2); c.282del, p.Val95fs (NM_001142806.1); short protein forms V210fs, V95fs.
Identifiers: ClinVar variation 1679707 (VCV001679707.1), dbSNP rs2148361177, ClinGen allele CA2573159471.

ClinVar aggregate classification (germline): Pathogenic (1 of 4 stars; one submission).

Conditions:
Creatine transporter deficiency (CCDS1). Also called: Creatine Transporter (CRTR) Deficiency; Mental retardation , X-linked with seizures, short stature and midface hypoplasia; Mental retardation , X-linked, with creatine transport deficiency; X-linked creatine transporter deficiency; X-linked creatine deficiency syndrome; SLC6A8-Related Creatine Transporter Deficiency. Identifiers: Orphanet 52503, MedGen C1845862, MONDO:0010305, OMIM 300352.

Submission:

New York Genome Center
Classification: Pathogenic for Creatine transporter deficiency. Last evaluated: 2021-05-27. Review status: criteria provided, single submitter. Criteria: NYGC Assertion Criteria 2020. Collection method: clinical testing. Allele origin: de novo. Observed: 1 heterozygote. Study: CSER-NYCKidSeq.
Comment: The de novo heterozygous one nucleotide deletion [c.627del (p.Val210SerfsTer10)] identified in exon 3 (of 13) of the SLC6A8 gene has not beenreported in affected individuals in the literature. The variant alters the wild-type translational reading frame and is predicted to cause loss of normal protein function either through protein truncation or nonsense-mediated mRNA decay. The c.627del variant is absent from gnomAD(v3) database suggesting it is not a commonbenign variant in the populations represented in that database. Based on the available evidence, the de novo heterozygous c.627del (p.Val210SerfsTer10) variant identified in the SLC6A8 gene is reported here as Pathogenic.